The following is an entry in ClinVar:

NM_000135.4(FANCA):c.3696del (p.Phe1232fs)

Gene: FANCA (FA complementation group A; minus strand). Cytogenetic location: 16q24.3.
Variant type: Deletion.
Coding change: c.3696del on transcript NM_000135.4 (MANE Select); coding-DNA position 3696, one base deleted (T; older notation c.3696delT).
Protein change: p.Phe1232fs; shifts the reading frame from phenylalanine 1232.
Molecular consequence: frameshift variant.
Genome position (GRCh38, 1-based): chr16:89,742,869, A deleted on the plus strand (T on the coding strand, the reverse complement: FANCA is on the minus strand); the first of 3 consecutive A bases (chr16:89,742,869-89,742,871); deleting any one gives the same sequence. VCF-style (leftmost placement, unchanged base first): chr16-89742868-CA-C. GRCh37 (hg19) VCF-style: chr16-89809276-CA-C.
Other names: c.3696del (NM_000135.2, LRG_495t1, NM_000135.3); c.3696delT (NM_000135.4); c.3696del, p.Phe1232fs (NM_001286167.3); short protein forms F1232fs.
Identifiers: ClinVar variation 554124 (VCV000554124.11), dbSNP rs1555535527, ClinGen allele CA658824236.

ClinVar aggregate classification (germline): Pathogenic/Likely pathogenic. Review status: criteria provided, multiple submitters, no conflicts (2 of 4 stars). 6 submissions from 6 submitters: Pathogenic (3); Likely pathogenic (1). 2 of the submissions do not count toward it. Last evaluated 2025-05-15.

Conditions:
Fanconi anemia (FA). Also called: Fanconi's anemia. Identifiers: Orphanet 84, MedGen C0015625, MeSH D005199, MONDO:0019391.
Fanconi anemia complementation group A (FANCA). Also called: FANCA-Related Fanconi Anemia; Fanconi anemia, group A. Identifiers: Orphanet 84, MedGen C3469521, MONDO:0009215, OMIM 227650.

Submissions (6):

GeneKor MSA
Classification: Likely pathogenic for Fanconi anemia complementation group A. Last evaluated: 2025-05-15. Review status: criteria provided, single submitter. Criteria: ACMG Guidelines, 2015. Collection method: clinical testing. Allele origin: germline. Affected: yes.
Comment: This variant involves the deletion of a single nucleotide in exon 37 of the FANCA mRNA (c.3696delT). This results in a frameshift and the creation of a premature stop codon after 15 altered amino acids – p.(Phe1232Leufs*15). The consequence is premature termination of protein synthesis and inactivation of one allele. This specific mutation has been reported in the international literature in the homozygous state in a patient with Fanconi anemia (PMID:27041517). In the ClinVar database, it is classified as a likely pathogenic variant (VCV000554124.8).For these reasons, this variant has been classified as Likely Pathogenic.

Natera, Inc.
Classification: Pathogenic for Fanconi anemia. Last evaluated: 2025-01-02. Review status: criteria provided, single submitter. Criteria: Natera Variant Classification Schema (03/2026). Collection method: clinical testing. Allele origin: germline.
Comment: The c.3696del variant in FANCA is a frameshift variant predicted to shift the reading frame beginning at codon 1232 and leads to a stop codon 15 codons downstream. This variant is expected to result in nonsense mediated decay, truncation, or a dysfunctional protein product. This variant is rare in the general population with a frequency below the threshold expected for the associated phenotype(s). This variant has been observed in one or more individuals affected with the associated recessive disease, as either homozygous or compound heterozygous with a second variant (PMID: 27041517). Given the available evidence, this variant is classified as Pathogenic.

Labcorp Genetics (formerly Invitae), Labcorp
Classification: Pathogenic for Fanconi anemia. Last evaluated: 2024-10-17. Review status: criteria provided, single submitter. Criteria: Invitae Variant Classification Sherloc (09022015). Collection method: clinical testing. Allele origin: germline.
Comment: This sequence change creates a premature translational stop signal (p.Phe1232Leufs*15) in the FANCA gene. It is expected to result in an absent or disrupted protein product. Loss-of-function variants in FANCA are known to be pathogenic (PMID: 19367192). This variant is not present in population databases (gnomAD no frequency). This premature translational stop signal has been observed in individual(s) with Fanconi anemia (PMID: 27041517, 28717661). ClinVar contains an entry for this variant (Variation ID: 554124). For these reasons, this variant has been classified as Pathogenic.

Baylor Genetics
Classification: Pathogenic for Fanconi anemia complementation group A. Last evaluated: 2023-11-22. Review status: criteria provided, single submitter. Criteria: ACMG Guidelines, 2015. Collection method: clinical testing. Allele origin: unknown.

Leiden Open Variation Database
Classification: Pathogenic for Fanconi anemia complementation group A. Last evaluated: 2020-02-28. Review status: no assertion criteria provided. Collection method: curation. Allele origin: germline. Affected: yes. Not counted in ClinVar's aggregate classification.
Comment: Curator: Arleen D. Auerbach. Submitters to LOVD: Arleen D. Auerbach, Daniela Pilonetto.

Counsyl
Classification: Likely pathogenic for Fanconi anemia complementation group A. Last evaluated: 2017-09-27. Review status: no assertion criteria provided. Collection method: clinical testing. Allele origin: unknown. Not counted in ClinVar's aggregate classification.

Literature cited by the submitters: PubMed 27041517 (cited by 4 submitters); PubMed 19367192 (cited by Labcorp Genetics (formerly Invitae), Labcorp); PubMed 28717661 (cited by Labcorp Genetics (formerly Invitae), Labcorp).